The following is an entry in ClinVar:

NM_001170629.2(CHD8):c.4023_4028del (p.1340TI[1])

Gene: CHD8 (chromodomain helicase DNA binding protein 8; minus strand). Cytogenetic location: 14q11.2.
Variant type: Deletion.
Coding change: c.4023_4028del on transcript NM_001170629.2 (MANE Select); coding-DNA positions 4023 to 4028, 6 bases deleted (CACCAT; older notation c.4023_4028delCACCAT).
Protein change: p.1340TI[1].
Molecular consequence: inframe deletion.
Genome position (GRCh38, 1-based): chr14:21,401,991-21,401,996, ATGGTG deleted on the plus strand (CACCAT on the coding strand, the reverse complement: CHD8 is on the minus strand); deleting any 6 consecutive bases within chr14:21,401,991-21,402,001 gives the same sequence; the c. name uses the placement nearest the transcript's 3' end. VCF-style (leftmost placement, unchanged base first): chr14-21401990-AATGGTG-A. GRCh37 (hg19) VCF-style: chr14-21870149-AATGGTG-A.
Other names: c.3186_3191del, p.1061TI[1] (NM_020920.4).
Identifiers: ClinVar variation 2752221 (VCV002752221.3), dbSNP rs2501896377, ClinGen allele CA2697551971.
Genomic context (GRCh38, chr14:21,401,990, plus strand): 5'-CTAGCCTCTGGCATAGACAGAACATGCCTTAGCAAAGGTGGAACCTTTTCCTTCAGATTC[AATGGTG>A]ATGGTTGTAGTTCGTCTTAACAAGATCTGGTCAATGTCCTCTTCACAAAACTTGGAGCCT-3'

ClinVar aggregate classification (germline): Uncertain significance (1 of 4 stars; one submission).

Submission:

Labcorp Genetics (formerly Invitae), Labcorp
Classification: Uncertain significance. Last evaluated: 2023-08-12. Review status: criteria provided, single submitter. Criteria: Invitae Variant Classification Sherloc (09022015). Collection method: clinical testing. Allele origin: germline.
Comment: Experimental studies and prediction algorithms are not available or were not evaluated, and the functional significance of this variant is currently unknown. In summary, the available evidence is currently insufficient to determine the role of this variant in disease. Therefore, it has been classified as a Variant of Uncertain Significance. This variant has not been reported in the literature in individuals affected with CHD8-related conditions. This variant is not present in population databases (gnomAD no frequency). This variant, c.4023_4028del, results in the deletion of 2 amino acid(s) of the CHD8 protein (p.Thr1342_Ile1343del), but otherwise preserves the integrity of the reading frame.